The following is an entry in ClinVar:

ClinVar aggregate classification (germline): Uncertain significance (1 of 4 stars; one submission).

Conditions:
Kufor-Rakeb syndrome (KRS). Also called: PARKINSON DISEASE 9, AUTOSOMAL RECESSIVE, JUVENILE-ONSET. Identifiers: Orphanet 306674, Orphanet 314632, MedGen C1847640, MONDO:0011706, OMIM 606693.
Autosomal recessive spastic paraplegia type 78. Identifiers: Orphanet 513436, MedGen C5567893, MONDO:0014975, OMIM 617225.

Allele frequency attached by ClinVar (database versions not stated): ExAC 0.00001; gnomAD 0.00001; gnomAD exomes 0.00001; TOPMed 0.00002.
gnomAD v4.1: 18 of 1,611,752 alleles (0.0011%); highest among the groups gnomAD compares: East Asian, 0.0022%; no homozygotes.

Submission:

Labcorp Genetics (formerly Invitae), Labcorp
Classification: Uncertain significance for Kufor-Rakeb syndrome; Autosomal recessive spastic paraplegia type 78. Last evaluated: 2025-11-10. Review status: criteria provided, single submitter. Criteria: Invitae Variant Classification Sherloc (09022015). Collection method: clinical testing. Allele origin: germline.
Comment: This sequence change replaces glutamine, which is neutral and polar, with glutamic acid, which is acidic and polar, at codon 808 of the ATP13A2 protein (p.Gln808Glu). This variant is present in population databases (rs774997717, gnomAD 0.009%). This variant has not been reported in the literature in individuals affected with ATP13A2-related conditions. ClinVar contains an entry for this variant (Variation ID: 949336). Invitae Evidence Modeling of protein sequence and biophysical properties (such as structural, functional, and spatial information, amino acid conservation, physicochemical variation, residue mobility, and thermodynamic stability) indicates that this missense variant is not expected to disrupt ATP13A2 protein function with a negative predictive value of 80%. In summary, the available evidence is currently insufficient to determine the role of this variant in disease. Therefore, it has been classified as a Variant of Uncertain Significance.

NM_022089.4(ATP13A2):c.2422C>G (p.Gln808Glu)

Gene: ATP13A2 (ATPase cation transporting 13A2; minus strand). Cytogenetic location: 1p36.13.
Variant type: single nucleotide variant.
Coding change: c.2422C>G on transcript NM_022089.4 (MANE Select); coding-DNA position 2422, C replaced by G.
Protein change: p.Gln808Glu; replaces glutamine 808 with glutamic acid.
Molecular consequence: missense variant. On other transcripts: intron variant (1).
Genome position (GRCh38, 1-based): chr1:16,989,994, G>C on the plus strand (C>G on the coding strand, the complement: ATP13A2 is on the minus strand). VCF-style: chr1-16989994-G-C. GRCh37 (hg19) VCF-style: chr1-17316489-G-C.
Other names: c.2407C>G, p.Gln803Glu (NM_001141973.3); c.2397+133C>G (NM_001141974.3); short protein forms Q808E, Q803E.
Identifiers: ClinVar variation 949336 (VCV000949336.5), dbSNP rs774997717, ClinGen allele CA636829.
Genomic context (GRCh38, chr1:16,989,994, plus strand): 5'-GCCCGCTGAGGGCCAGGTGCCTGGATCGGGGGTCTGGCTCCACGGTGTAGCTTGCAGCCT[G>C]GTCAGGATCCTGGGGGCCCAGGAAGCTCAGCTTAGCTCCCCCTGCCCACCCTGGAGAGTT-3'
Protein context (NP_071372.1, residues 798-818): TAVNGVKDPD[Gln808Glu]AASYTVEPDP